The following is an entry in ClinVar:

ClinVar aggregate classification (germline): Uncertain significance (1 of 4 stars; one submission).

Allele frequency attached by ClinVar (database versions not stated): gnomAD 0.00001; TOPMed 0.00001.
gnomAD v4.1: 3 of 1,613,750 alleles (0.00019%); highest among the groups gnomAD compares: Non-Finnish European, 0.00017%; no homozygotes.

Submission:

Labcorp Genetics (formerly Invitae), Labcorp
Classification: Uncertain significance. Last evaluated: 2023-07-20. Review status: criteria provided, single submitter. Criteria: Invitae Variant Classification Sherloc (09022015). Collection method: clinical testing. Allele origin: germline.
Comment: In summary, the available evidence is currently insufficient to determine the role of this variant in disease. Therefore, it has been classified as a Variant of Uncertain Significance. Advanced modeling of protein sequence and biophysical properties (such as structural, functional, and spatial information, amino acid conservation, physicochemical variation, residue mobility, and thermodynamic stability) performed at Invitae indicates that this missense variant is not expected to disrupt KMT2A protein function. This variant has not been reported in the literature in individuals affected with KMT2A-related conditions. This variant is not present in population databases (gnomAD no frequency). This sequence change replaces serine, which is neutral and polar, with asparagine, which is neutral and polar, at codon 719 of the KMT2A protein (p.Ser719Asn).

NM_001197104.2(KMT2A):c.2156G>A (p.Ser719Asn)

Gene: KMT2A (lysine methyltransferase 2A; plus strand). Cytogenetic location: 11q23.3.
Variant type: single nucleotide variant.
Coding change: c.2156G>A on transcript NM_001197104.2 (MANE Select); coding-DNA position 2156, G replaced by A.
Protein change: p.Ser719Asn; replaces serine 719 with asparagine.
Molecular consequence: missense variant.
Genome position (GRCh38, 1-based): chr11:118,473,315, G>A. VCF-style: chr11-118473315-G-A. GRCh37 (hg19) VCF-style: chr11-118344030-G-A.
Other names: c.2255G>A, p.Ser752Asn (NM_001412597.1); c.2156G>A, p.Ser719Asn (NM_005933.4); short protein forms S719N, S752N.
Identifiers: ClinVar variation 2794732 (VCV002794732.3), dbSNP rs1437635121, ClinGen allele CA382813132.
Genomic context (GRCh38, chr11:118,473,315, plus strand): 5'-CTCCAAGATTTACTCCAAGTGAGGCTCACTCTAGAATATTTGAGTCTGTAACCTTGCCTA[G>A]TAATCGAACTTCTGCTGGAACATCTTCTTCAGGAGTATCCAATAGAAAAAGGAAAAGAAA-3'
Protein context (NP_001184033.1, residues 709-729): SRIFESVTLP[Ser719Asn]NRTSAGTSSS